The following is an entry in ClinVar:

NM_001382430.1(AKT1):c.334A>C (p.Lys112Gln)

Gene: AKT1 (AKT serine/threonine kinase 1; minus strand). Cytogenetic location: 14q32.33.
Variant type: single nucleotide variant.
Coding change: c.334A>C on transcript NM_001382430.1 (MANE Select); coding-DNA position 334, A replaced by C.
Protein change: p.Lys112Gln; replaces lysine 112 with glutamine.
Molecular consequence: missense variant.
Genome position (GRCh38, 1-based): chr14:104,775,753, T>G on the plus strand (A>C on the coding strand, the complement: AKT1 is on the minus strand). VCF-style: chr14-104775753-T-G. GRCh37 (hg19) VCF-style: chr14-105242090-T-G.
Other names: c.334A>C, p.Lys112Gln (NM_001014431.2, NM_001014432.2, NM_001382431.1 and 3 more transcripts); short protein forms K112Q.
Identifiers: ClinVar variation 2614794 (VCV002614794.2), dbSNP rs2542149780, ClinGen allele CA391220338.

ClinVar aggregate classification (germline): Uncertain significance (1 of 4 stars; one submission).

Conditions:
Inborn genetic diseases. Identifiers: MedGen C0950123, MeSH D030342.

Submission:

Ambry Genetics
Classification: Uncertain significance for Inborn genetic diseases. Last evaluated: 2023-06-22. Review status: criteria provided, single submitter. Criteria: Ambry Variant Classification Scheme 2023. Collection method: clinical testing. Allele origin: germline.
Comment: The p.K112Q variant (also known as c.334A>C), located in coding exon 4 of the AKT1 gene, results from an A to C substitution at nucleotide position 334. The lysine at codon 112 is replaced by glutamine, an amino acid with similar properties. This amino acid position is conserved. In addition, this alteration is predicted to be tolerated by in silico analysis. Since supporting evidence is limited at this time, the clinical significance of this alteration remains unclear.